The following is an entry in ClinVar:

NM_152564.5(VPS13B):c.4634-2A>G

Gene: VPS13B (vacuolar protein sorting 13 homolog B; plus strand). Cytogenetic location: 8q22.2.
Variant type: single nucleotide variant.
Coding change: c.4634-2A>G on transcript NM_152564.5 (MANE Select); the canonical splice acceptor site of the intron before coding-DNA position 4634, A replaced by G.
Molecular consequence: splice acceptor variant.
Genome position (GRCh38, 1-based): chr8:99,520,897, A>G. VCF-style: chr8-99520897-A-G. GRCh37 (hg19) VCF-style: chr8-100533125-A-G.
Other names: c.4709-2A>G (NM_017890.5).
Identifiers: ClinVar variation 1510257 (VCV001510257.8), dbSNP rs2133668102, ClinGen allele CA371866370.

ClinVar aggregate classification (germline): Likely pathogenic (1 of 4 stars; one submission).

Conditions:
Cohen syndrome (COH1). Also called: PEPPER SYNDROME; Cutis verticis gyrata, retinitis pigmentosa, and sensorineural deafness. Identifiers: Orphanet 193, MedGen C0265223, MONDO:0008999, OMIM 216550.

Allele frequency attached by ClinVar (database versions not stated): gnomAD exomes below 0.00001.
gnomAD v4.1: 1 of 1,613,104 alleles (0.000062%); highest among the groups gnomAD compares: Middle Eastern, 0.017%; no homozygotes.

Submission:

Labcorp Genetics (formerly Invitae), Labcorp
Classification: Likely pathogenic for Cohen syndrome. Last evaluated: 2021-04-15. Review status: criteria provided, single submitter. Criteria: Invitae Variant Classification Sherloc (09022015). Collection method: clinical testing. Allele origin: germline.
Comment: In summary, the currently available evidence indicates that the variant is pathogenic, but additional data are needed to prove that conclusively. Therefore, this variant has been classified as Likely Pathogenic. Algorithms developed to predict the effect of sequence changes on RNA splicing suggest that this variant may disrupt the consensus splice site, but this prediction has not been confirmed by published transcriptional studies. This variant has not been reported in the literature in individuals with VPS13B-related conditions. This variant is not present in population databases (ExAC no frequency). This sequence change affects an acceptor splice site in intron 29 of the VPS13B gene. It is expected to disrupt RNA splicing. Variants that disrupt the donor or acceptor splice site typically lead to a loss of protein function (PMID: 16199547), and loss-of-function variants in VPS13B are known to be pathogenic (PMID: 15141358, 16648375, 20461111).

Literature cited by the submitters: PubMed 16199547; PubMed 15141358; PubMed 16648375; PubMed 20461111.